The following is an entry in ClinVar:

ClinVar aggregate classification (germline): Conflicting classifications of pathogenicity. Review status: criteria provided, conflicting classifications (1 of 4 stars). 2 submissions from 2 submitters: Likely pathogenic (1); Uncertain significance (1). Last evaluated 2024-05-18.

Submissions (2):

GeneDx
Classification: Likely pathogenic. Last evaluated: 2024-05-18. Review status: criteria provided, single submitter. Criteria: GeneDx Variant Classification Process June 2021. Collection method: clinical testing. Allele origin: germline. Affected: yes.
Comment: Not observed at significant frequency in large population cohorts (gnomAD); In silico analysis supports that this missense variant has a deleterious effect on protein structure/function; This variant is associated with the following publications: (PMID: 38348832)

Blueprint Genetics
Classification: Uncertain significance. Last evaluated: 2023-03-29. Review status: criteria provided, single submitter. Criteria: ACMG Guidelines, 2015. Collection method: clinical testing. Allele origin: germline.

NM_024528.4(NKAP):c.1078C>T (p.Arg360Cys)

Gene: NKAP (NFKB activating protein; minus strand). Cytogenetic location: Xq24.
Variant type: single nucleotide variant.
Coding change: c.1078C>T on transcript NM_024528.4 (MANE Select); coding-DNA position 1078, C replaced by T.
Protein change: p.Arg360Cys; replaces arginine 360 with cysteine.
Molecular consequence: missense variant.
Genome position (GRCh38, 1-based): chrX:119,925,390, G>A on the plus strand (C>T on the coding strand, the complement: NKAP is on the minus strand). VCF-style: chrX-119925390-G-A. GRCh37 (hg19) VCF-style: chrX-119059353-G-A.
Other names: short protein forms R360C.
Identifiers: ClinVar variation 4278625 (VCV004278625.2).